The following is an entry in ClinVar:

ClinVar aggregate classification (germline): Pathogenic. Review status: criteria provided, single submitter (1 of 4 stars). 2 submissions from 2 submitters: Pathogenic (1). 1 of the submissions does not count toward it. Last evaluated 2021-10-13.

Conditions:
PEHO-like syndrome. Also called: PROGRESSIVE ENCEPHALOPATHY WITH EDEMA, HYPSARRHYTHMIA, AND OPTIC ATROPHY-LIKE SYNDROME. Identifiers: Orphanet 99807, MedGen C1850056, MONDO:0020495, OMIM 617507.

Submissions (2):

Labcorp Genetics (formerly Invitae), Labcorp
Classification: Pathogenic. Last evaluated: 2021-10-13. Review status: criteria provided, single submitter. Criteria: Invitae Variant Classification Sherloc (09022015). Collection method: clinical testing. Allele origin: germline.
Comment: For these reasons, this variant has been classified as Pathogenic. This variant has not been reported in the literature in individuals affected with CCDC88A-related conditions. This variant is not present in population databases (ExAC no frequency). This sequence change creates a premature translational stop signal (p.Pro1387Leufs*12) in the CCDC88A gene. It is expected to result in an absent or disrupted protein product. Loss-of-function variants in CCDC88A are known to be pathogenic (PMID: 26917597, 30392057).

OMIM
Classification: Pathogenic for PEHO-LIKE SYNDROME. Last evaluated: 2024-11-12. Review status: no assertion criteria provided. Collection method: literature only. Allele origin: germline. Not counted in ClinVar's aggregate classification.

Literature cited by the submitters: PubMed 26917597 (cited by Labcorp Genetics (formerly Invitae), Labcorp); PubMed 30392057 (cited by Labcorp Genetics (formerly Invitae), Labcorp); PubMed 39334473 (cited by OMIM).

NM_001365480.1(CCDC88A):c.4161_4162dup (p.Pro1388fs)

Gene: CCDC88A (coiled-coil and HOOK domain protein 88A; minus strand). Cytogenetic location: 2p16.1.
Variant type: Microsatellite.
Coding change: c.4161_4162dup on transcript NM_001365480.1 (MANE Select); coding-DNA positions 4161 to 4162, 2 bases duplicated (TC; older notation c.4161_4162dupTC).
Protein change: p.Pro1388fs; shifts the reading frame from proline 1388.
Molecular consequence: frameshift variant.
Genome position (GRCh38, 1-based): chr2:55,309,172-55,309,173, GA duplicated on the plus strand (TC on the coding strand, the reverse complement: CCDC88A is on the minus strand); duplicating any 2 consecutive bases within chr2:55,309,172-55,309,175 gives the same sequence; the c. name uses the placement nearest the transcript's 3' end. VCF-style (leftmost placement, unchanged base first): chr2-55309171-G-GGA. GRCh37 (hg19) VCF-style: chr2-55536307-G-GGA.
Other names: c.4158_4159dup, p.Pro1387fs (NM_001135597.2, NM_001254943.2); c.4161_4162dup, p.Pro1388fs (NM_018084.5); short protein forms P1387fs, P1388fs.
Identifiers: ClinVar variation 1435609 (VCV001435609.7), dbSNP rs2104596456, ClinGen allele CA2580611639.